The following is an entry in ClinVar:

NM_005324.5(H3-3B):c.79_90del (p.Arg27_Ala30del)

Gene: H3-3B (H3.3 histone B; minus strand). Cytogenetic location: 17q25.1.
Variant type: Deletion.
Coding change: c.79_90del on transcript NM_005324.5 (MANE Select); coding-DNA positions 79 to 90, 12 bases deleted (AGGAAAAGCGCT).
Protein change: p.Arg27_Ala30del.
Molecular consequence: inframe deletion.
Genome position (GRCh38, 1-based): chr17:75,779,085-75,779,096, AGCGCTTTTCCT deleted on the plus strand (AGGAAAAGCGCT on the coding strand, the reverse complement: H3-3B is on the minus strand). VCF-style (leftmost placement, unchanged base first): chr17-75779084-GAGCGCTTTTCCT-G. GRCh37 (hg19) VCF-style: chr17-73775165-GAGCGCTTTTCCT-G.
Identifiers: ClinVar variation 2443513 (VCV002443513.1), dbSNP rs2545911130, ClinGen allele CA2580095154.

ClinVar aggregate classification (germline): Uncertain significance (1 of 4 stars; one submission).

Submission:

GeneDx
Classification: Uncertain significance. Last evaluated: 2022-09-09. Review status: criteria provided, single submitter. Criteria: GeneDx Variant Classification Process June 2021. Collection method: clinical testing. Allele origin: germline. Affected: yes.
Comment: In-frame deletion of 4 amino acids in a non-repeat region; Not observed at significant frequency in large population cohorts (gnomAD); In silico analysis supports a deleterious effect on protein structure/function; Has not been previously published as pathogenic or benign to our knowledge